The following is an entry in ClinVar:

NM_000232.5(SGCB):c.33+16C>A

Genes: SGCB (sarcoglycan beta; minus strand), LOC129992585 (ATAC-STARR-seq lymphoblastoid silent region 15421; plus strand). Cytogenetic location: 4q12.
Variant type: single nucleotide variant.
Coding change: c.33+16C>A on transcript NM_000232.5 (MANE Select); 16 bases into the intron after coding-DNA position 33, C replaced by A.
Molecular consequence: intron variant.
Genome position (GRCh38, 1-based): chr4:52,038,211, G>T on the plus strand (C>A on the coding strand, the complement: SGCB is on the minus strand). VCF-style: chr4-52038211-G-T. GRCh37 (hg19) VCF-style: chr4-52904377-G-T.
Identifiers: ClinVar variation 515610 (VCV000515610.6), dbSNP rs765157791, ClinGen allele CA2918524.

ClinVar aggregate classification (germline): Likely benign. Review status: criteria provided, multiple submitters, no conflicts (2 of 4 stars). 2 submissions from 2 submitters: Likely benign (2). Last evaluated 2025-12-22.

Conditions:
Autosomal recessive limb-girdle muscular dystrophy type 2E (LGMDR4). Also called: MUSCULAR DYSTROPHY, LIMB-GIRDLE, AUTOSOMAL RECESSIVE 4. Identifiers: Orphanet 119, MedGen C1858593, MONDO:0011423, OMIM 604286. Disease mechanism: Affects gamma-sarcoglycan and also disrupts the integrity of the entire sarcoglycan complex..

Allele frequency attached by ClinVar (database versions not stated): ExAC below 0.00001; gnomAD 0.00003 and 0.00004; gnomAD exomes 0.00004; TOPMed 0.00004.
gnomAD v4.1: 19 of 1,241,608 alleles (0.0015%); highest among the groups gnomAD compares: Non-Finnish European, 0.0002%; no homozygotes.

Submissions (2):

Labcorp Genetics (formerly Invitae), Labcorp
Classification: Likely benign for Autosomal recessive limb-girdle muscular dystrophy type 2E. Last evaluated: 2025-12-22. Review status: criteria provided, single submitter. Criteria: Invitae Variant Classification Sherloc (09022015). Collection method: clinical testing. Allele origin: germline.

GeneDx
Classification: Likely benign. Last evaluated: 2018-02-26. Review status: criteria provided, single submitter. Criteria: GeneDx Variant Classification (06012015). Collection method: clinical testing. Allele origin: germline. Affected: yes.
Comment: This variant is considered likely benign or benign based on one or more of the following criteria: it is a conservative change, it occurs at a poorly conserved position in the protein, it is predicted to be benign by multiple in silico algorithms, and/or has population frequency not consistent with disease.